The following is an entry in ClinVar:

ClinVar aggregate classification (germline): Uncertain significance (1 of 4 stars; one submission).

Conditions:
AHDC1-related intellectual disability - obstructive sleep apnea - mild dysmorphism syndrome. Also called: Xia-Gibbs syndrome. Identifiers: Orphanet 412069, MedGen C4014419, MONDO:0014358, OMIM 615829.

Submission:

Laboratorio de Genetica e Diagnostico Molecular, Hospital Israelita Albert Einstein
Classification: Uncertain significance for AHDC1-related intellectual disability - obstructive sleep apnea - mild dysmorphism syndrome. Last evaluated: 2024-07-01. Review status: criteria provided, single submitter. Criteria: ACMG Guidelines, 2015. Collection method: clinical testing. Allele origin: germline. Affected: yes.
Comment: ACMG classification criteria: PM2 supporting, BP4 supporting

NM_001371928.1(AHDC1):c.4334G>T (p.Ser1445Ile)

Gene: AHDC1 (AT-hook DNA binding motif containing 1; minus strand). Cytogenetic location: 1p36.11.
Variant type: single nucleotide variant.
Coding change: c.4334G>T on transcript NM_001371928.1 (MANE Select); coding-DNA position 4334, G replaced by T.
Protein change: p.Ser1445Ile; replaces serine 1445 with isoleucine.
Molecular consequence: missense variant.
Genome position (GRCh38, 1-based): chr1:27,547,782, C>A on the plus strand (G>T on the coding strand, the complement: AHDC1 is on the minus strand). VCF-style: chr1-27547782-C-A. GRCh37 (hg19) VCF-style: chr1-27874293-C-A.
Other names: c.4334G>T, p.Ser1445Ile (NM_001029882.3); short protein forms S1445I.
Identifiers: ClinVar variation 3901020 (VCV003901020.1).